The following is an entry in ClinVar:

NM_024721.5(ZFHX4):c.5047C>G (p.Pro1683Ala)

Gene: ZFHX4 (zinc finger homeobox 4; plus strand). Cytogenetic location: 8q21.13.
Variant type: single nucleotide variant.
Coding change: c.5047C>G on transcript NM_024721.5 (MANE Select); coding-DNA position 5047, C replaced by G.
Protein change: p.Pro1683Ala; replaces proline 1683 with alanine.
Molecular consequence: missense variant.
Genome position (GRCh38, 1-based): chr8:76,851,968, C>G. VCF-style: chr8-76851968-C-G. GRCh37 (hg19) VCF-style: chr8-77764204-C-G.
Other names: c.4969C>G, p.Pro1657Ala (NM_001410934.1); short protein forms P1657A, P1683A.
Identifiers: ClinVar variation 3900266 (VCV003900266.1).

ClinVar aggregate classification (germline): Uncertain significance (1 of 4 stars; one submission).

Submission:

GeneDx
Classification: Uncertain significance. Last evaluated: 2022-06-27. Review status: criteria provided, single submitter. Criteria: GeneDx Variant Classification Process June 2021. Collection method: clinical testing. Allele origin: germline. Affected: yes.
Comment: Not observed at significant frequency in large population cohorts (gnomAD); In silico analysis supports that this missense variant has a deleterious effect on protein structure/function; Has not been previously published as pathogenic or benign to our knowledge; Variants in candidate genes are classified as variants of uncertain significance in accordance with ACMG guidelines (Richards et al., 2015)